The following is an entry in ClinVar:

ClinVar aggregate classification (germline): Uncertain significance. Review status: criteria provided, multiple submitters, no conflicts (2 of 4 stars). 2 submissions from 2 submitters: Uncertain significance (2). Last evaluated 2024-05-14.

Conditions:
Intellectual developmental disorder, X-linked 1. Also called: Atkin Flaitz Patil Smith syndrome; MENTAL RETARDATION, X-LINKED 18; MENTAL RETARDATION, X-LINKED 78; Intellectual disability, X-linked 1. Identifiers: Orphanet 777, MedGen C2931498, MONDO:0010656, OMIM 309530.

Submissions (2):

GeneDx
Classification: Uncertain significance. Last evaluated: 2024-05-14. Review status: criteria provided, single submitter. Criteria: GeneDx Variant Classification Process June 2021. Collection method: clinical testing. Allele origin: germline. Affected: yes.
Comment: Not observed at significant frequency in large population cohorts (gnomAD); In silico analysis supports that this missense variant has a deleterious effect on protein structure/function; Has not been previously published as pathogenic or benign to our knowledge; This variant is associated with the following publications: (PMID: 20473311)

Labcorp Genetics (formerly Invitae), Labcorp
Classification: Uncertain significance for Intellectual developmental disorder, X-linked 1. Last evaluated: 2021-08-27. Review status: criteria provided, single submitter. Criteria: Invitae Variant Classification Sherloc (09022015). Collection method: clinical testing. Allele origin: germline.

NM_001111125.3(IQSEC2):c.2707G>C (p.Glu903Gln)

Gene: IQSEC2 (IQ motif and Sec7 domain ArfGEF 2; minus strand). Cytogenetic location: Xp11.22.
Variant type: single nucleotide variant.
Coding change: c.2707G>C on transcript NM_001111125.3 (MANE Select); coding-DNA position 2707, G replaced by C.
Protein change: p.Glu903Gln; replaces glutamic acid 903 with glutamine.
Molecular consequence: missense variant.
Genome position (GRCh38, 1-based): chrX:53,247,011, C>G on the plus strand (G>C on the coding strand, the complement: IQSEC2 is on the minus strand). VCF-style: chrX-53247011-C-G. GRCh37 (hg19) VCF-style: chrX-53276193-C-G.
Other names: c.2092G>C, p.Glu698Gln (NM_015075.2); c.2707G>C (NM_001111125.1); short protein forms E903Q, E698Q.
Identifiers: ClinVar variation 972360 (VCV000972360.6), dbSNP rs2074317421, ClinGen allele CA413155474.